The following is an entry in ClinVar:

ClinVar aggregate classification (germline): Likely benign (1 of 4 stars; one submission).

Conditions:
CFAP57-related disorder. Also called: CFAP57-related condition.

Submission:

PreventionGenetics, part of Exact Sciences
Classification: Likely benign for CFAP57-related condition. Last evaluated: 2025-01-23. Review status: criteria provided, single submitter. Criteria: ACMG Guidelines, 2015. Collection method: clinical testing. Allele origin: germline.
Comment: This variant is classified as likely benign based on ACMG/AMP sequence variant interpretation guidelines (Richards et al. 2015 PMID: 25741868, with internal and published modifications).

NM_001378189.1(CFAP57):c.1911T>C (p.His637=)

Genes: CFAP57 (cilia and flagella associated protein 57; plus strand), EBNA1BP2 (EBNA1 binding protein 2; minus strand), LOC105378685 (uncharacterized LOC105378685; minus strand). Cytogenetic location: 1p34.2.
Variant type: single nucleotide variant.
Coding change: c.1911T>C on transcript NM_001378189.1 (MANE Select); coding-DNA position 1911, T replaced by C.
Protein change: p.His637=; no amino-acid change (histidine 637 retained).
Molecular consequence: synonymous variant.
Genome position (GRCh38, 1-based): chr1:43,209,898, T>C. VCF-style: chr1-43209898-T-C. GRCh37 (hg19) VCF-style: chr1-43675569-T-C.
Other names: c.1911T>C, p.His637= (NM_001167965.1, NM_001195831.3, NM_152498.3).
Identifiers: ClinVar variation 4999072 (VCV004999072.1).
Genomic context (GRCh38, chr1:43,209,898, plus strand): 5'-CATTCGTGCCATGAAGTACCCTCTGCCTCTGCAGAAGGAATTCAATGAGTACCAGGCCCA[T>C]GCCGGTCCTATCACCAAGGTGAGCAGGGCCCTCTCCCCAGGAACCCAGTCCCACACCTGC-3'
Protein context (NP_001365118.1, residues 627-647): LQKEFNEYQA[His637=]AGPITKMLLT